The following is an entry in ClinVar:

NM_000051.4(ATM):c.1724C>G (p.Ser575Ter)

Gene: ATM (ATM serine/threonine kinase; plus strand). Cytogenetic location: 11q22.3.
Variant type: single nucleotide variant.
Coding change: c.1724C>G on transcript NM_000051.4 (MANE Select); coding-DNA position 1724, C replaced by G.
Protein change: p.Ser575Ter; replaces serine 575 with a stop codon.
Molecular consequence: nonsense.
Genome position (GRCh38, 1-based): chr11:108,251,953, C>G. VCF-style: chr11-108251953-C-G. GRCh37 (hg19) VCF-style: chr11-108122680-C-G.
Other names: c.1724C>G, p.Ser575Ter (NM_001351834.2); short protein forms S575*.
Identifiers: ClinVar variation 2887300 (VCV002887300.3), dbSNP rs2135342200, ClinGen allele CA382535290.

ClinVar aggregate classification (germline): Pathogenic (1 of 4 stars; one submission).

Conditions:
Ataxia-telangiectasia syndrome (AT). Also called: Cerebello-oculocutaneous telangiectasia; Immunodeficiency with ataxia telangiectasia; AT, COMPLEMENTATION GROUP C; ATAXIA-TELANGIECTASIA, FRESNO VARIANT; ATAXIA-TELANGIECTASIA, COMPLEMENTATION GROUP A; Ataxia-telangiectasia. Identifiers: Orphanet 100, MedGen C0004135, MONDO:0008840, OMIM 208900.

Submission:

Labcorp Genetics (formerly Invitae), Labcorp
Classification: Pathogenic for Ataxia-telangiectasia syndrome. Last evaluated: 2024-01-18. Review status: criteria provided, single submitter. Criteria: Invitae Variant Classification Sherloc (09022015). Collection method: clinical testing. Allele origin: germline.
Comment: This sequence change creates a premature translational stop signal (p.Ser575*) in the ATM gene. It is expected to result in an absent or disrupted protein product. Loss-of-function variants in ATM are known to be pathogenic (PMID: 23807571, 25614872). This variant is not present in population databases (gnomAD no frequency). This variant has not been reported in the literature in individuals affected with ATM-related conditions. Algorithms developed to predict the effect of sequence changes on RNA splicing suggest that this variant may disrupt the consensus splice site. For these reasons, this variant has been classified as Pathogenic.

Literature cited by the submitters: PubMed 23807571; PubMed 25614872.